The following is an entry in ClinVar:

ClinVar aggregate classification (germline): Likely pathogenic. Review status: criteria provided, multiple submitters, no conflicts (2 of 4 stars). 2 submissions from 2 submitters: Likely pathogenic (2). Last evaluated 2024-06-10.

Conditions:
Hereditary acrodermatitis enteropathica (AEZ). Also called: Acrodermatitis enteropathica. Identifiers: Orphanet 37, MedGen C0221036, MONDO:0008713, OMIM 201100.

Submissions (2):

Natera, Inc.
Classification: Likely pathogenic for Acrodermatitis enteropathica. Last evaluated: 2024-06-10. Review status: criteria provided, single submitter. Criteria: Natera Variant Classification Schema (03/2026). Collection method: clinical testing. Allele origin: germline.
Comment: The c.667+1G>T variant in SLC39A4 is a canonical splice donor site variant predicted to affect pre-mRNA splicing, which may result in an abnormal transcript and altered protein product. This variant is expected to result in nonsense mediated decay, truncation, or a dysfunctional protein product. This variant is rare in the general population with a frequency below the threshold expected for the associated phenotype(s). Given the available evidence, this variant is classified as Likely Pathogenic.

Labcorp Genetics (formerly Invitae), Labcorp
Classification: Likely pathogenic. Last evaluated: 2021-09-09. Review status: criteria provided, single submitter. Criteria: Invitae Variant Classification Sherloc (09022015). Collection method: clinical testing. Allele origin: germline.
Comment: In summary, the currently available evidence indicates that the variant is pathogenic, but additional data are needed to prove that conclusively. Therefore, this variant has been classified as Likely Pathogenic. Algorithms developed to predict the effect of sequence changes on RNA splicing suggest that this variant may disrupt the consensus splice site. This variant has not been reported in the literature in individuals affected with SLC39A4-related conditions. This variant is not present in population databases (ExAC no frequency). This sequence change affects a donor splice site in intron 3 of the SLC39A4 gene. It is expected to disrupt RNA splicing. Variants that disrupt the donor or acceptor splice site typically lead to a loss of protein function (PMID: 16199547), and loss-of-function variants in SLC39A4 are known to be pathogenic (PMID: 12955721).

Literature cited by the submitters: PubMed 16199547 (cited by Labcorp Genetics (formerly Invitae), Labcorp); PubMed 12955721 (cited by Labcorp Genetics (formerly Invitae), Labcorp).

NM_130849.4(SLC39A4):c.667+1G>T

Gene: SLC39A4 (solute carrier family 39 member 4; minus strand). Cytogenetic location: 8q24.3.
Variant type: single nucleotide variant.
Coding change: c.667+1G>T on transcript NM_130849.4 (MANE Select); the canonical splice donor site of the intron after coding-DNA position 667, G replaced by T.
Molecular consequence: splice donor variant.
Genome position (GRCh38, 1-based): chr8:144,415,226, C>A on the plus strand (G>T on the coding strand, the complement: SLC39A4 is on the minus strand). VCF-style: chr8-144415226-C-A. GRCh37 (hg19) VCF-style: chr8-145640610-C-A.
Other names: c.385+1G>T (NM_001374839.1); c.592+1G>T (NM_017767.3); c.667+1G>T (NM_130849.3).
Identifiers: ClinVar variation 1482823 (VCV001482823.7), dbSNP rs2130800458, ClinGen allele CA372624497.